The following is an entry in ClinVar:

NM_002617.4(PEX10):c.911A>G (p.Lys304Arg)

Gene: PEX10 (peroxisomal biogenesis factor 10; minus strand). Cytogenetic location: 1p36.32.
Variant type: single nucleotide variant.
Coding change: c.911A>G on transcript NM_002617.4 (MANE Select); coding-DNA position 911, A replaced by G.
Protein change: p.Lys304Arg; replaces lysine 304 with arginine.
Molecular consequence: missense variant. On other transcripts: non-coding transcript variant (1).
Genome position (GRCh38, 1-based): chr1:2,406,485, T>C on the plus strand (A>G on the coding strand, the complement: PEX10 is on the minus strand). VCF-style: chr1-2406485-T-C. GRCh37 (hg19) VCF-style: chr1-2337924-T-C.
Other names: c.968A>G, p.Lys323Arg (NM_001374425.1); c.536A>G, p.Lys179Arg (NM_001374426.1); c.479A>G, p.Lys160Arg (NM_001374427.1); c.971A>G, p.Lys324Arg (NM_153818.2); short protein forms K179R, K304R, K323R, K324R, K160R.
Identifiers: ClinVar variation 2142608 (VCV002142608.1), dbSNP rs374371284, ClinGen allele CA537982.
Genomic context (GRCh38, chr1:2,406,485, plus strand): 5'-GTGCATCTTGCCGGCACAGCCGCTGACCACCCCAGGACGGCAGCAGGCTCCCACCTCACC[T>C]TGCTGCTGCACCACGCGGTGATGCACTCCCAGCAGAACAGGTGGCCGCAGGGCGTGGCTG-3'
Protein context (NP_002608.1, residues 294-314): WECITAWCSS[Lys304Arg]AECPLCREKF

ClinVar aggregate classification (germline): Uncertain significance (1 of 4 stars; one submission).

Conditions:
Peroxisome biogenesis disorder, complementation group 7 (CG7). Also called: Peroxisome biogenesis disorder, complementation group B. Identifiers: MedGen C1864399.

Allele frequency attached by ClinVar (database versions not stated): ExAC 0.00001; gnomAD exomes 0.00001; TOPMed 0.00001; gnomAD 0.00002; ESP Exome Variant Server 0.00008.
gnomAD v4.1: 11 of 1,611,598 alleles (0.00068%); highest among the groups gnomAD compares: African/African-American, 0.0013%; no homozygotes.

Submission:

Labcorp Genetics (formerly Invitae), Labcorp
Classification: Uncertain significance for Peroxisome biogenesis disorder, complementation group 7. Last evaluated: 2022-10-25. Review status: criteria provided, single submitter. Criteria: Invitae Variant Classification Sherloc (09022015). Collection method: clinical testing. Allele origin: germline.
Comment: This sequence change replaces lysine, which is basic and polar, with arginine, which is basic and polar, at codon 324 of the PEX10 protein (p.Lys324Arg). This variant is present in population databases (rs374371284, gnomAD 0.002%). This variant has not been reported in the literature in individuals affected with PEX10-related conditions. Algorithms developed to predict the effect of missense changes on protein structure and function are either unavailable or do not agree on the potential impact of this missense change (SIFT: "Tolerated"; PolyPhen-2: "Possibly Damaging"; Align-GVGD: "Class C0"). Algorithms developed to predict the effect of sequence changes on RNA splicing suggest that this variant may create or strengthen a splice site. In summary, the available evidence is currently insufficient to determine the role of this variant in disease. Therefore, it has been classified as a Variant of Uncertain Significance.